The following is an entry in ClinVar:

ClinVar aggregate classification (germline): Benign (0 of 4 stars; one submission).

Conditions:
TRAPPC2L-related disorder. Also called: TRAPPC2L-related condition.

Allele frequency attached by ClinVar (database versions not stated): TOPMed 0.00359; 1000 Genomes Project 30x 0.00453; 1000 Genomes Project 0.00539; ExAC 0.00581; gnomAD exomes 0.00596.
gnomAD v4.1: 6,067 of 1,035,282 alleles (0.59%); highest among the groups gnomAD compares: East Asian, 1.5%; 34 homozygotes.

Submission:

PreventionGenetics, part of Exact Sciences
Classification: Benign for TRAPPC2L-related condition. Last evaluated: 2019-05-21. Review status: no assertion criteria provided. Collection method: clinical testing. Allele origin: germline.
Comment: This variant is classified as benign based on ACMG/AMP sequence variant interpretation guidelines (Richards et al. 2015 PMID: 25741868, with internal and published modifications).

NM_001318525.2(TRAPPC2L):c.207-111G>A

Gene: TRAPPC2L (trafficking protein particle complex subunit 2L; plus strand). Cytogenetic location: 16q24.3.
Variant type: single nucleotide variant.
Coding change: c.207-111G>A on transcript NM_001318525.2 (MANE Select); 111 bases into the intron before coding-DNA position 207, G replaced by A.
Molecular consequence: intron variant. On other transcripts: missense variant (3), initiator codon variant (3).
Genome position (GRCh38, 1-based): chr16:88,859,552, G>A. VCF-style: chr16-88859552-G-A. GRCh37 (hg19) VCF-style: chr16-88925960-G-A.
Other names: c.3G>A, p.Met1Ile (NM_001318527.2, NM_001318529.2, NM_001318532.2); c.207-111G>A (NM_001318524.2, NM_016209.5); c.117-111G>A (NM_001318528.2, NM_001318530.2); c.87-21G>A (NM_001318526.2); short protein forms M1I.
Identifiers: ClinVar variation 3059367 (VCV003059367.2), dbSNP rs3784874, ClinGen allele CA8235587.